The following is an entry in ClinVar:

ClinVar aggregate classification (germline): Pathogenic (1 of 4 stars; one submission).

Conditions:
Niemann-Pick disease, type C1. Also called: NEUROVISCERAL STORAGE DISEASE WITH VERTICAL SUPRANUCLEAR OPHTHALMOPLEGIA; NIEMANN-PICK DISEASE WITH CHOLESTEROL ESTERIFICATION BLOCK; NIEMANN-PICK DISEASE WITHOUT SPHINGOMYELINASE DEFICIENCY; NIEMANN-PICK DISEASE, CHRONIC NEURONOPATHIC FORM; NIEMANN-PICK DISEASE, VARIANT TYPE C1. Identifiers: Orphanet 646, MedGen C3179455, MONDO:0009757, OMIM 257220.

Submission:

Myriad Genetics, Inc.
Classification: Pathogenic for Niemann-Pick disease, type C1. Last evaluated: 2023-09-27. Review status: criteria provided, single submitter. Criteria: Myriad Autosomal Dominant, Autosomal Recessive and X-Linked Classification Criteria (2023). Collection method: clinical testing. Allele origin: unknown.
Comment: NM_000271.4(NPC1):c.706dupG(A236Gfs*4) is expected to be pathogenic in the context of Niemann-Pick disease type C1. This variant is predicted to lead to an abnormal or absent protein product due to the creation of a premature termination codon in NPC1, a gene where loss-of-function variants are known to be pathogenic. Please note: this variant was assessed in the context of healthy population screening.

NM_000271.5(NPC1):c.706dup (p.Ala236fs)

Gene: NPC1 (NPC intracellular cholesterol transporter 1; minus strand). Cytogenetic location: 18q11.2.
Variant type: Duplication.
Coding change: c.706dup on transcript NM_000271.5 (MANE Select); coding-DNA position 706, one base duplicated (G; older notation c.706dupG).
Protein change: p.Ala236fs; shifts the reading frame from alanine 236.
Molecular consequence: frameshift variant.
Genome position (GRCh38, 1-based): chr18:23,560,406, C duplicated on the plus strand (G on the coding strand, the reverse complement: NPC1 is on the minus strand). VCF-style (leftmost placement, unchanged base first): chr18-23560405-G-GC. GRCh37 (hg19) VCF-style: chr18-21140369-G-GC.
Other names: short protein forms A236fs.
Identifiers: ClinVar variation 5012207 (VCV005012207.1).